The following is an entry in ClinVar:

ClinVar aggregate classification (germline): Uncertain significance (1 of 4 stars; one submission).

Conditions:
MELAS syndrome (MELAS). Also called: Juvenile myopathy, encephalopathy, lactic acidosis, stroke. Identifiers: Orphanet 550, MedGen C0162671, MONDO:0010789, OMIM 540000.

Submission:

Wong Mito Lab, Molecular and Human Genetics, Baylor College of Medicine
Classification: Uncertain significance for MELAS syndrome. Last evaluated: 2019-07-12. Review status: criteria provided, single submitter. Criteria: Modified ACMG Guidelines (Unpublished). Collection method: clinical testing. Allele origin: germline.
Comment: The NC_012920.1:m.15994A>G variant in MT-TP gene is interpreted to be a Unknown Significance variant based on the modified ACMG guidelines (unpublished). This variant meets the following evidence codes reported in the guidelines: BP4

Literature cited by the submitters: PubMed 31965079.

NC_012920.1(MT-TP):m.15994A>G

Gene: MT-TP (mitochondrially encoded tRNA proline; minus strand).
Variant type: single nucleotide variant.
Genome position: chrM-15994-A-G.
Identifiers: ClinVar variation 690269 (VCV000690269.1), dbSNP rs1603225627, ClinGen allele CA913175398.